The following is an entry in ClinVar:

ClinVar aggregate classification (germline): Uncertain significance. Review status: criteria provided, multiple submitters, no conflicts (2 of 4 stars). 5 submissions from 5 submitters: Uncertain significance (5). Last evaluated 2024-11-15.

Conditions:
Fanconi anemia (FA). Also called: Fanconi's anemia. Identifiers: Orphanet 84, MedGen C0015625, MeSH D005199, MONDO:0019391.
Fanconi anemia complementation group I (FANCI). Also called: FANCI-Related Fanconi Anemia. Identifiers: Orphanet 84, MedGen C1836861, MONDO:0012186, OMIM 609053.

Allele frequency attached by ClinVar (database versions not stated): gnomAD exomes 0.00003; TOPMed 0.00003; ExAC 0.00004; gnomAD 0.00004 and 0.00005.

Submissions (5):

Labcorp Genetics (formerly Invitae), Labcorp
Classification: Uncertain significance for Fanconi anemia. Last evaluated: 2024-11-15. Review status: criteria provided, single submitter. Criteria: Invitae Variant Classification Sherloc (09022015). Collection method: clinical testing. Allele origin: germline.
Comment: This sequence change replaces aspartic acid, which is acidic and polar, with glycine, which is neutral and non-polar, at codon 728 of the FANCI protein (p.Asp728Gly). This variant is present in population databases (rs752114490, gnomAD 0.05%). This missense change has been observed in individual(s) with sarcoma (PMID: 28878254). ClinVar contains an entry for this variant (Variation ID: 456204). Invitae Evidence Modeling of protein sequence and biophysical properties (such as structural, functional, and spatial information, amino acid conservation, physicochemical variation, residue mobility, and thermodynamic stability) indicates that this missense variant is expected to disrupt FANCI protein function with a positive predictive value of 80%. Algorithms developed to predict the effect of sequence changes on RNA splicing suggest that this variant may disrupt the consensus splice site. In summary, the available evidence is currently insufficient to determine the role of this variant in disease. Therefore, it has been classified as a Variant of Uncertain Significance.

Fulgent Genetics
Classification: Uncertain significance for Fanconi anemia complementation group I. Last evaluated: 2024-03-25. Review status: criteria provided, single submitter. Criteria: ACMG Guidelines, 2015. Collection method: clinical testing. Allele origin: germline.

Blueprint Genetics
Classification: Uncertain significance. Last evaluated: 2022-05-10. Review status: criteria provided, single submitter. Criteria: ACMG Guidelines, 2015. Collection method: clinical testing. Allele origin: germline.

GeneDx
Classification: Uncertain significance. Last evaluated: 2021-06-23. Review status: criteria provided, single submitter. Criteria: GeneDx Variant Classification Process June 2021. Collection method: clinical testing. Allele origin: germline. Affected: yes.
Comment: In silico analysis supports that this missense variant has a deleterious effect on protein structure/function; Observed in individuals with sarcoma and breast cancer (Chan 2017, Chen 2020); This variant is associated with the following publications: (PMID: 27535533, 28878254, 32091409)

Illumina Laboratory Services, Illumina
Classification: Uncertain significance for Fanconi anemia complementation group I. Last evaluated: 2018-01-13. Review status: criteria provided, single submitter. Criteria: ICSL Variant Classification Criteria 13 December 2019. Collection method: clinical testing. Allele origin: germline.

Literature cited by the submitters: PubMed 28878254 (cited by Labcorp Genetics (formerly Invitae), Labcorp).

NM_001113378.2(FANCI):c.2183A>G (p.Asp728Gly)

Gene: FANCI (FA complementation group I; plus strand). Cytogenetic location: 15q26.1.
Variant type: single nucleotide variant.
Coding change: c.2183A>G on transcript NM_001113378.2 (MANE Select); coding-DNA position 2183, A replaced by G.
Protein change: p.Asp728Gly; replaces aspartic acid 728 with glycine.
Molecular consequence: missense variant.
Genome position (GRCh38, 1-based): chr15:89,292,955, A>G. VCF-style: chr15-89292955-A-G. GRCh37 (hg19) VCF-style: chr15-89836186-A-G.
Other names: c.1904A>G, p.Asp635Gly (NM_001376910.1); c.2183A>G, p.Asp728Gly (NM_001376911.1, NM_018193.3); short protein forms D728G, D635G.
Identifiers: ClinVar variation 456204 (VCV000456204.14), dbSNP rs752114490, ClinGen allele CA7723308.
Genomic context (GRCh38, chr15:89,292,955, plus strand): 5'-GATGGAGTTCTTTAGTAGCTTGTTAATTTTTATCTTGTGTCTTTTAGGATAAATCAGCAG[A>G]TTTTTCTCAGAGCACCAGTATTGGCATAAAAAATAATATCTGTGCTTTTCTTGTGATGGG-3'
Protein context (NP_001106849.1, residues 718-738): LEDFELDKSA[Asp728Gly]FSQSTSIGIK